The following is an entry in ClinVar:

ClinVar aggregate classification (germline): Uncertain significance. Review status: criteria provided, multiple submitters, no conflicts (2 of 4 stars). 2 submissions from 2 submitters: Uncertain significance (2). Last evaluated 2025-07-01.

Allele frequency attached by ClinVar (database versions not stated): gnomAD 0.00005; ESP Exome Variant Server 0.00017.
gnomAD v4.1: 92 of 1,613,832 alleles (0.0057%); highest among the groups gnomAD compares: Non-Finnish European, 0.007%; no homozygotes.

Submissions (2):

CeGaT Center for Human Genetics Tuebingen
Classification: Uncertain significance. Last evaluated: 2025-07-01. Review status: criteria provided, single submitter. Criteria: CeGaT Center For Human Genetics Tuebingen Variant Classification Criteria Version 2. Collection method: clinical testing. Allele origin: germline. Affected: yes. Observed: 1 variant allele.
Comment: TNIK: PM2

Ambry Genetics
Classification: Uncertain significance. Last evaluated: 2023-01-24. Review status: criteria provided, single submitter. Criteria: Ambry Variant Classification Scheme 2023. Collection method: clinical testing. Allele origin: germline.

NM_015028.4(TNIK):c.1957A>T (p.Ile653Phe)

Gene: TNIK (TRAF2 and NCK interacting kinase; minus strand). Cytogenetic location: 3q26.2.
Variant type: single nucleotide variant.
Coding change: c.1957A>T on transcript NM_015028.4 (MANE Select); coding-DNA position 1957, A replaced by T.
Protein change: p.Ile653Phe; replaces isoleucine 653 with phenylalanine.
Molecular consequence: missense variant.
Genome position (GRCh38, 1-based): chr3:171,125,968, T>A on the plus strand (A>T on the coding strand, the complement: TNIK is on the minus strand). VCF-style: chr3-171125968-T-A. GRCh37 (hg19) VCF-style: chr3-170843757-T-A.
Other names: c.1957A>T, p.Ile653Phe (NM_001161560.3); c.1870A>T, p.Ile624Phe (NM_001161561.3, NM_001161562.3); c.1792A>T, p.Ile598Phe (NM_001161563.3, NM_001161564.3); c.1705A>T, p.Ile569Phe (NM_001161565.3, NM_001161566.3); short protein forms I624F, I653F, I569F, I598F.
Identifiers: ClinVar variation 2461646 (VCV002461646.10), dbSNP rs202161463, ClinGen allele CA2703360.